The following is an entry in ClinVar:

NM_001271938.2(MEGF8):c.7076A>G (p.Tyr2359Cys)

Gene: MEGF8 (multiple EGF like domains 8; plus strand). Cytogenetic location: 19q13.2.
Variant type: single nucleotide variant.
Coding change: c.7076A>G on transcript NM_001271938.2 (MANE Select); coding-DNA position 7076, A replaced by G.
Protein change: p.Tyr2359Cys; replaces tyrosine 2359 with cysteine.
Molecular consequence: missense variant.
Genome position (GRCh38, 1-based): chr19:42,370,771, A>G. VCF-style: chr19-42370771-A-G. GRCh37 (hg19) VCF-style: chr19-42874923-A-G.
Other names: c.6875A>G, p.Tyr2292Cys (NM_001410.3); c.6875A>G (NM_001410.2); short protein forms Y2359C, Y2292C.
Identifiers: ClinVar variation 1498673 (VCV001498673.4), dbSNP rs143643113, ClinGen allele CA9476048.

ClinVar aggregate classification (germline): Uncertain significance. Review status: criteria provided, multiple submitters, no conflicts (2 of 4 stars). 2 submissions from 2 submitters: Uncertain significance (2). Last evaluated 2023-10-02.

Conditions:
Inborn genetic diseases. Identifiers: MedGen C0950123, MeSH D030342.
MEGF8-related Carpenter syndrome. Also called: Carpenter syndrome 2. Identifiers: Orphanet 65759, MedGen C3554247, MONDO:0013998, OMIM 614976.

Allele frequency attached by ClinVar (database versions not stated): ExAC 0.00003; gnomAD exomes 0.00004 and 0.00005; gnomAD 0.00006 and 0.00007; ESP Exome Variant Server 0.00008.
gnomAD v4.1: 77 of 1,550,854 alleles (0.005%); highest among the groups gnomAD compares: Non-Finnish European, 0.006%; no homozygotes.

Submissions (2):

Ambry Genetics
Classification: Uncertain significance for Inborn genetic diseases. Last evaluated: 2023-10-02. Review status: criteria provided, single submitter. Criteria: Ambry Variant Classification Scheme 2023. Collection method: clinical testing. Allele origin: germline.

Labcorp Genetics (formerly Invitae), Labcorp
Classification: Uncertain significance for MEGF8-related Carpenter syndrome. Last evaluated: 2022-06-27. Review status: criteria provided, single submitter. Criteria: Invitae Variant Classification Sherloc (09022015). Collection method: clinical testing. Allele origin: germline.
Comment: This sequence change replaces tyrosine, which is neutral and polar, with cysteine, which is neutral and slightly polar, at codon 2292 of the MEGF8 protein (p.Tyr2292Cys). This variant is present in population databases (rs143643113, gnomAD 0.02%). This variant has not been reported in the literature in individuals affected with MEGF8-related conditions. Algorithms developed to predict the effect of missense changes on protein structure and function (SIFT, PolyPhen-2, Align-GVGD) all suggest that this variant is likely to be tolerated. In summary, the available evidence is currently insufficient to determine the role of this variant in disease. Therefore, it has been classified as a Variant of Uncertain Significance.